The following is an entry in ClinVar:

ClinVar aggregate classification (germline): Uncertain significance. Review status: criteria provided, multiple submitters, no conflicts (2 of 4 stars). 3 submissions from 3 submitters: Uncertain significance (3). Last evaluated 2025-03-26.

Conditions:
FLNB-Related Spectrum Disorders.
Inborn genetic diseases. Identifiers: MedGen C0950123, MeSH D030342.

Allele frequency attached by ClinVar (database versions not stated): gnomAD exomes below 0.00001 and 0.00002; gnomAD 0.00001 and 0.00003; TOPMed 0.00002; ExAC 0.00002.
gnomAD v4.1: 27 of 1,613,960 alleles (0.0017%); highest among the groups gnomAD compares: Non-Finnish European, 0.0022%; no homozygotes.

Submissions (3):

Ambry Genetics
Classification: Uncertain significance for Inborn genetic diseases. Last evaluated: 2025-03-26. Review status: criteria provided, single submitter. Criteria: Ambry Variant Classification Scheme 2023. Collection method: clinical testing. Allele origin: germline.

Labcorp Genetics (formerly Invitae), Labcorp
Classification: Uncertain significance. Last evaluated: 2025-03-05. Review status: criteria provided, single submitter. Criteria: Invitae Variant Classification Sherloc (09022015). Collection method: clinical testing. Allele origin: germline.
Comment: This sequence change replaces proline, which is neutral and non-polar, with serine, which is neutral and polar, at codon 396 of the FLNB protein (p.Pro396Ser). This variant is present in population databases (rs774588966, gnomAD 0.0009%). This variant has not been reported in the literature in individuals affected with FLNB-related conditions. ClinVar contains an entry for this variant (Variation ID: 903023). Invitae Evidence Modeling of protein sequence and biophysical properties (such as structural, functional, and spatial information, amino acid conservation, physicochemical variation, residue mobility, and thermodynamic stability) indicates that this missense variant is not expected to disrupt FLNB protein function with a negative predictive value of 80%. In summary, the available evidence is currently insufficient to determine the role of this variant in disease. Therefore, it has been classified as a Variant of Uncertain Significance.

Illumina Laboratory Services, Illumina
Classification: Uncertain significance for FLNB-Related Spectrum Disorders. Last evaluated: 2018-03-30. Review status: criteria provided, single submitter. Criteria: ICSL Variant Classification Criteria 13 December 2019. Collection method: clinical testing. Allele origin: germline.

NM_001457.4(FLNB):c.1186C>T (p.Pro396Ser)

Gene: FLNB (filamin B; plus strand). Cytogenetic location: 3p14.3.
Variant type: single nucleotide variant.
Coding change: c.1186C>T on transcript NM_001457.4 (MANE Select); coding-DNA position 1186, C replaced by T.
Protein change: p.Pro396Ser; replaces proline 396 with serine.
Molecular consequence: missense variant.
Genome position (GRCh38, 1-based): chr3:58,098,749, C>T. VCF-style: chr3-58098749-C-T. GRCh37 (hg19) VCF-style: chr3-58084476-C-T.
Other names: c.1186C>T, p.Pro396Ser (NM_001164317.2, NM_001164318.2, NM_001164319.2); short protein forms P396S.
Identifiers: ClinVar variation 903023 (VCV000903023.6), dbSNP rs774588966, ClinGen allele CA2467732.